The following is an entry in ClinVar:

NM_182961.4(SYNE1):c.19026C>T (p.Asp6342=)

Gene: SYNE1 (spectrin repeat containing nuclear envelope protein 1; minus strand). Cytogenetic location: 6q25.2.
Variant type: single nucleotide variant.
Coding change: c.19026C>T on transcript NM_182961.4 (MANE Select); coding-DNA position 19026, C replaced by T.
Protein change: p.Asp6342=; no amino-acid change (aspartic acid 6342 retained).
Molecular consequence: synonymous variant.
Genome position (GRCh38, 1-based): chr6:152,256,712, G>A on the plus strand (C>T on the coding strand, the complement: SYNE1 is on the minus strand). VCF-style: chr6-152256712-G-A. GRCh37 (hg19) VCF-style: chr6-152577847-G-A.
Other names: p.Asp6271=; c.19026C>T (NM_182961.2); c.18813C>T, p.Asp6271= (NM_033071.5).
Identifiers: ClinVar variation 285329 (VCV000285329.43), dbSNP rs370053768, ClinGen allele CA4054785.
Genomic context (GRCh38, chr6:152,256,712, plus strand): 5'-GAAGGCTTGGTTCAGTCCATCCAGCAAAGATGTAACTGCAGATTTATCTTGGGTTGGCAC[G>A]TCCCCTTTGTACAGTGGCACACCAGACAAGAGTCGATTTGGCCTGCTATAAAGCTGTAGG-3'
Protein context (NP_892006.3, residues 6332-6352): LLSGVPLYKG[Asp6342=]VPTQDKSAVT

ClinVar aggregate classification (germline): Conflicting classifications of pathogenicity. Review status: criteria provided, conflicting classifications (1 of 4 stars). 10 submissions from 10 submitters: Uncertain significance (1); Likely benign (6). 3 of the submissions do not count toward it. Last evaluated 2025-07-01.

Conditions:
SYNE1-related disorder. Also called: SYNE1-related disease; SYNE1-related condition; SYNE1-related disorders.
Emery-Dreifuss muscular dystrophy 4, autosomal dominant (EDMD4). Also called: EMERY-DREIFUSS MUSCULAR DYSTROPHY 4 WITH VARIABLE FEATURES. Identifiers: Orphanet 261, MedGen C2751807, MONDO:0013071, OMIM 612998.
Autosomal recessive ataxia, Beauce type. Also called: SYNE1 Deficiency; SYNE1-Related Autosomal Recessive Cerebellar Ataxia; ATAXIA, RECESSIVE, OF BEAUCE; Spinocerebellar ataxia, autosomal recessive 8. Identifiers: Orphanet 88644, MedGen C1853116, MONDO:0012549, OMIM 610743.

Allele frequency attached by ClinVar (database versions not stated): ExAC 0.00007; ESP Exome Variant Server 0.00008; gnomAD exomes 0.00008 and 0.00020; gnomAD 0.00013 and 0.00014; TOPMed 0.00014.
gnomAD v4.1: 302 of 1,613,844 alleles (0.019%); highest among the groups gnomAD compares: Non-Finnish European, 0.024%; no homozygotes.

Submissions (10):

CeGaT Center for Human Genetics Tuebingen
Classification: Likely benign. Last evaluated: 2025-07-01. Review status: criteria provided, single submitter. Criteria: CeGaT Center For Human Genetics Tuebingen Variant Classification Criteria Version 2. Collection method: clinical testing. Allele origin: germline. Affected: yes. Observed: 3 variant alleles.
Comment: SYNE1: BP4, BP7

Labcorp Genetics (formerly Invitae), Labcorp
Classification: Likely benign for Emery-Dreifuss muscular dystrophy 4, autosomal dominant; Autosomal recessive ataxia, Beauce type. Last evaluated: 2025-05-14. Review status: criteria provided, single submitter. Criteria: Invitae Variant Classification Sherloc (09022015). Collection method: clinical testing. Allele origin: germline.

Mayo Clinic Laboratories, Mayo Clinic
Classification: Likely benign. Last evaluated: 2025-05-07. Review status: criteria provided, single submitter. Criteria: ACMG Guidelines, 2015. Collection method: clinical testing. Allele origin: germline. Observed: 1 variant allele.
Comment: BP4, BP7

Athena Diagnostics
Classification: Likely benign. Last evaluated: 2025-04-03. Review status: criteria provided, single submitter. Criteria: Athena Diagnostics Criteria. Collection method: clinical testing. Allele origin: unknown.
Comment: Computational tools yielded predictions that this variant is unlikely to have an effect on normal RNA splicing. This nucleotide position exhibits low evolutionary conservation.

Blueprint Genetics
Classification: Likely benign. Last evaluated: 2024-08-14. Review status: criteria provided, single submitter. Criteria: ACMG Guidelines, 2015. Collection method: clinical testing. Allele origin: germline.

GeneDx
Classification: Likely benign. Last evaluated: 2017-05-19. Review status: criteria provided, single submitter. Criteria: GeneDx Variant Classification (06012015). Collection method: clinical testing. Allele origin: germline. Affected: yes.
Comment: This variant is considered likely benign or benign based on one or more of the following criteria: it is a conservative change, it occurs at a poorly conserved position in the protein, it is predicted to be benign by multiple in silico algorithms, and/or has population frequency not consistent with disease.

Eurofins Ntd Llc (ga)
Classification: Uncertain significance. Last evaluated: 2016-01-04. Review status: criteria provided, single submitter. Criteria: EGL Classification Definitions 2015. Collection method: clinical testing. Allele origin: germline. Observed: 2 variant alleles, 2 heterozygotes.

PreventionGenetics, part of Exact Sciences
Classification: Likely benign for SYNE1-related condition. Last evaluated: 2019-09-17. Review status: no assertion criteria provided. Collection method: clinical testing. Allele origin: germline. Not counted in ClinVar's aggregate classification.
Comment: This variant is classified as likely benign based on ACMG/AMP sequence variant interpretation guidelines (Richards et al. 2015 PMID: 25741868, with internal and published modifications).

Clinical Genetics DNA and cytogenetics Diagnostics Lab, Erasmus MC, Erasmus Medical Center
Classification: Likely benign. Review status: no assertion criteria provided. Collection method: clinical testing. Allele origin: germline. Affected: yes. Study: VKGL Data-share Consensus. Not counted in ClinVar's aggregate classification.

Genome Diagnostics Laboratory, University Medical Center Utrecht
Classification: Likely benign. Review status: no assertion criteria provided. Collection method: clinical testing. Allele origin: germline. Affected: yes. Study: VKGL Data-share Consensus. Not counted in ClinVar's aggregate classification.